The following is an entry in ClinVar:

NM_130839.5(UBE3A):c.940C>A (p.Pro314Thr)

Genes: SNHG14 (small nucleolar RNA host gene 14; plus strand), UBE3A (ubiquitin protein ligase E3A; minus strand). Cytogenetic location: 15q11.2.
Variant type: single nucleotide variant.
Coding change: c.940C>A on transcript NM_130839.5 (MANE Select); coding-DNA position 940, C replaced by A.
Protein change: p.Pro314Thr; replaces proline 314 with threonine.
Molecular consequence: missense variant. On other transcripts: non-coding transcript variant (1), intron variant (2).
Genome position (GRCh38, 1-based): chr15:25,371,234, G>T on the plus strand (C>A on the coding strand, the complement: UBE3A is on the minus strand). VCF-style: chr15-25371234-G-T. GRCh37 (hg19) VCF-style: chr15-25616381-G-T.
Other names: c.949C>A, p.Pro317Thr (NM_000462.5); c.940C>A, p.Pro314Thr (NM_001354505.1, NM_001354538.2, NM_001354545.2); c.880C>A, p.Pro294Thr (NM_001354506.2, NM_001354507.2, NM_001354508.2 and 17 more transcripts); c.763C>A, p.Pro255Thr (NM_001354546.2); c.301+4231C>A (NM_001354551.2); c.361+4231C>A (NM_001354550.2); short protein forms P255T, P294T, P314T, P317T.
Identifiers: ClinVar variation 2429556 (VCV002429556.1), dbSNP rs2552191676, ClinGen allele CA391354724.
Genomic context (GRCh38, chr15:25,371,234, plus strand): 5'-GAATCTGGTCTGCATTGTATTTAGACCACAGTCTGATCAGTTTTCCTTGGGCTGCAAGGG[G>T]TAGCTTGCTCATCGCTTTGCAAAATAATGGCAAAGCCATTTCCAGATATTCAGGACTGTG-3'
Protein context (NP_570854.1, residues 304-324): PLFCKAMSKL[Pro314Thr]LAAQGKLIRL

ClinVar aggregate classification (germline): Uncertain significance (1 of 4 stars; one submission).

Submission:

GeneDx
Classification: Uncertain significance. Last evaluated: 2022-08-10. Review status: criteria provided, single submitter. Criteria: GeneDx Variant Classification Process June 2021. Collection method: clinical testing. Allele origin: germline. Affected: yes.
Comment: Not observed at significant frequency in large population cohorts (gnomAD); In silico analysis supports that this missense variant has a deleterious effect on protein structure/function; Has not been previously published as pathogenic or benign to our knowledge